The following is an entry in ClinVar:

ClinVar aggregate classification (germline): Uncertain significance (1 of 4 stars; one submission).

Conditions:
Epileptic encephalopathy. Identifiers: MedGen C0543888, HP:0200134.

Allele frequency attached by ClinVar (database versions not stated): gnomAD 0.00003; TOPMed 0.00004; gnomAD exomes 0.00006; ExAC 0.00008.
gnomAD v4.1: 92 of 1,612,878 alleles (0.0057%); highest among the groups gnomAD compares: Non-Finnish European, 0.0074%; no homozygotes.

Submission:

Labcorp Genetics (formerly Invitae), Labcorp
Classification: Uncertain significance for Epileptic encephalopathy. Last evaluated: 2019-12-14. Review status: criteria provided, single submitter. Criteria: Invitae Variant Classification Sherloc (09022015). Collection method: clinical testing. Allele origin: germline.
Comment: Algorithms developed to predict the effect of missense changes on protein structure and function (SIFT, PolyPhen-2, Align-GVGD) all suggest that this variant is likely to be disruptive, but these predictions have not been confirmed by published functional studies and their clinical significance is uncertain. In summary, the available evidence is currently insufficient to determine the role of this variant in disease. Therefore, it has been classified as a Variant of Uncertain Significance. This variant has not been reported in the literature in individuals with RYR3-related conditions. This variant is present in population databases (rs757627554, ExAC 0.01%). This sequence change replaces arginine with cysteine at codon 1200 of the RYR3 protein (p.Arg1200Cys). The arginine residue is highly conserved and there is a large physicochemical difference between arginine and cysteine.

NM_001036.6(RYR3):c.3598C>T (p.Arg1200Cys)

Gene: RYR3 (ryanodine receptor 3; plus strand). Cytogenetic location: 15q14.
Variant type: single nucleotide variant.
Coding change: c.3598C>T on transcript NM_001036.6 (MANE Select); coding-DNA position 3598, C replaced by T.
Protein change: p.Arg1200Cys; replaces arginine 1200 with cysteine.
Molecular consequence: missense variant.
Genome position (GRCh38, 1-based): chr15:33,644,352, C>T. VCF-style: chr15-33644352-C-T. GRCh37 (hg19) VCF-style: chr15-33936553-C-T.
Other names: c.3598C>T, p.Arg1200Cys (NM_001243996.4); short protein forms R1200C.
Identifiers: ClinVar variation 852200 (VCV000852200.9), dbSNP rs757627554, ClinGen allele CA7458743.